The following is an entry in ClinVar:

ClinVar aggregate classification (germline): Uncertain significance (1 of 4 stars; one submission).

Conditions:
Infantile-onset ascending hereditary spastic paralysis (IAHSP). Also called: Autosomal Recessive Juvenile Amyotrophic Lateral Sclerosis; Infantile-Onset Ascending Hereditary Spastic Paralysis (IAHSP). Identifiers: Orphanet 293168, MedGen C2931441, MONDO:0011797, OMIM 607225. Disease mechanism: loss of function.

Submission:

Labcorp Genetics (formerly Invitae), Labcorp
Classification: Uncertain significance for Infantile-onset ascending hereditary spastic paralysis. Last evaluated: 2021-11-05. Review status: criteria provided, single submitter. Criteria: Invitae Variant Classification Sherloc (09022015). Collection method: clinical testing. Allele origin: germline.
Comment: This sequence change replaces glycine, which is neutral and non-polar, with alanine, which is neutral and non-polar, at codon 26 of the ALS2 protein (p.Gly26Ala). This variant is not present in population databases (gnomAD no frequency). This variant has not been reported in the literature in individuals affected with ALS2-related conditions. Algorithms developed to predict the effect of missense changes on protein structure and function (SIFT, PolyPhen-2, Align-GVGD) all suggest that this variant is likely to be tolerated. In summary, the available evidence is currently insufficient to determine the role of this variant in disease. Therefore, it has been classified as a Variant of Uncertain Significance.

NM_020919.4(ALS2):c.77G>C (p.Gly26Ala)

Gene: ALS2 (alsin Rho guanine nucleotide exchange factor ALS2; minus strand). Cytogenetic location: 2q33.1.
Variant type: single nucleotide variant.
Coding change: c.77G>C on transcript NM_020919.4 (MANE Select); coding-DNA position 77, G replaced by C.
Protein change: p.Gly26Ala; replaces glycine 26 with alanine.
Molecular consequence: missense variant.
Genome position (GRCh38, 1-based): chr2:201,767,327, C>G on the plus strand (G>C on the coding strand, the complement: ALS2 is on the minus strand). VCF-style: chr2-201767327-C-G. GRCh37 (hg19) VCF-style: chr2-202632050-C-G.
Other names: c.77G>C, p.Gly26Ala (NM_001135745.2); short protein forms G26A.
Identifiers: ClinVar variation 1471947 (VCV001471947.6), dbSNP rs1189474050, ClinGen allele CA350329643.
Genomic context (GRCh38, chr2:201,767,327, plus strand): 5'-GCCTGCAAAACAGTCTTTCCTCCCCAGCCTGGCAATCTCTCTGGTGTTATGGGAAAGGAT[C>G]CTGCCTGCCAGATATGGACCAGGCCTCTTTCCTTGGATCCTTCTGCCTCTGTTGAGCTAA-3'
Protein context (NP_065970.2, residues 16-36): ERGLVHIWQA[Gly26Ala]SFPITPERLP